The following is an entry in ClinVar:

NM_001042424.3(NSD2):c.2519G>C (p.Gly840Ala)

Gene: NSD2 (nuclear receptor binding SET domain protein 2; plus strand). Cytogenetic location: 4p16.3.
Variant type: single nucleotide variant.
Coding change: c.2519G>C on transcript NM_001042424.3 (MANE Select); coding-DNA position 2519, G replaced by C.
Protein change: p.Gly840Ala; replaces glycine 840 with alanine.
Molecular consequence: missense variant.
Genome position (GRCh38, 1-based): chr4:1,955,693, G>C. VCF-style: chr4-1955693-G-C. GRCh37 (hg19) VCF-style: chr4-1957420-G-C.
Other names: c.2519G>C, p.Gly840Ala (NM_133330.3, NM_133331.3, NM_133335.4); short protein forms G840A.
Identifiers: ClinVar variation 3342827 (VCV003342827.1).

ClinVar aggregate classification (germline): Uncertain significance (1 of 4 stars; one submission).

gnomAD v4.1: 5 of 1,611,648 alleles (0.00031%); highest among the groups gnomAD compares: Admixed American, 0.0033%; no homozygotes.

Submission:

GeneDx
Classification: Uncertain significance. Last evaluated: 2023-07-13. Review status: criteria provided, single submitter. Criteria: GeneDx Variant Classification Process June 2021. Collection method: clinical testing. Allele origin: germline. Affected: yes.
Comment: Not observed at significant frequency in large population cohorts (gnomAD); In silico analysis supports that this missense variant has a deleterious effect on protein structure/function; Has not been previously published as pathogenic or benign to our knowledge